The following is an entry in ClinVar:

ClinVar aggregate classification (germline): Conflicting classifications of pathogenicity. Review status: criteria provided, conflicting classifications (1 of 4 stars). 3 submissions from 3 submitters: Likely pathogenic (1); Likely benign (1). 1 of the submissions does not count toward it. Last evaluated 2026-02-06.

Conditions:
Usher syndrome type 1F (USH1F). Also called: USHER SYNDROME, TYPE IF. Identifiers: Orphanet 231169, Orphanet 886, MedGen C1865885, MONDO:0011186, OMIM 602083.

Submissions (3):

GeneDx
Classification: Likely pathogenic. Last evaluated: 2026-02-06. Review status: criteria provided, single submitter. Criteria: GeneDx Variant Classification Process June 2021. Collection method: clinical testing. Allele origin: germline.
Comment: Frameshift variant predicted to result in abnormal protein length as the last 316 amino acids are replaced with 4 different amino acids; Not observed at significant frequency in large population cohorts (gnomAD); Has not been previously published as pathogenic or benign to our knowledge

Labcorp Genetics (formerly Invitae), Labcorp
Classification: Likely benign. Last evaluated: 2024-01-04. Review status: criteria provided, single submitter. Criteria: Invitae Variant Classification Sherloc (09022015). Collection method: clinical testing. Allele origin: germline.

Counsyl
Classification: Uncertain significance for Usher syndrome type 1F. Last evaluated: 2017-11-14. Review status: no assertion criteria provided. Collection method: clinical testing. Allele origin: unknown. Not counted in ClinVar's aggregate classification.

NM_033056.4(PCDH15):c.4915_4918dup (p.Arg1640fs)

Gene: PCDH15 (protocadherin related 15; minus strand). Cytogenetic location: 10q21.1.
Variant type: Duplication.
Coding change: c.4915_4918dup on transcript NM_033056.4 (MANE Plus Clinical); coding-DNA positions 4915 to 4918, 4 bases duplicated (ATAA; older notation c.4915_4918dupATAA).
Protein change: p.Arg1640fs; shifts the reading frame from arginine 1640.
Molecular consequence: frameshift variant. On other transcripts: intron variant (8).
Genome position (GRCh38, 1-based): chr10:53,822,808-53,822,811, TTAT duplicated on the plus strand (ATAA on the coding strand, the reverse complement: PCDH15 is on the minus strand); duplicating any 4 consecutive bases within chr10:53,822,808-53,822,813 gives the same sequence; the c. name uses the placement nearest the transcript's 3' end. VCF-style (leftmost placement, unchanged base first): chr10-53822807-C-CTTAT. GRCh37 (hg19) VCF-style: chr10-55582567-C-CTTAT.
Other names: c.4936_4939dup, p.Arg1647fs (NM_001142763.2); c.4921_4924dup, p.Arg1642fs (NM_001142764.2); c.4708_4711dup, p.Arg1571fs (NM_001142765.2); c.4906_4909dup, p.Arg1637fs (NM_001142766.2); c.4795_4798dup, p.Arg1600fs (NM_001142767.2); c.4855_4858dup, p.Arg1620fs (NM_001142768.2); c.4846_4849dup, p.Arg1617fs (NM_001142773.2); c.4849_4852dup, p.Arg1618fs (NM_001354404.2); and 7 more; short protein forms R1647fs, R1600fs, R1618fs, R1637fs, R1640fs, R1571fs, R1617fs, R1620fs.
Identifiers: ClinVar variation 553774 (VCV000553774.10), dbSNP rs780945310, ClinGen allele CA5505163.